The following is an entry in ClinVar:

NM_000539.3(RHO):c.706C>A (p.Gln236Lys)

Gene: RHO (rhodopsin; plus strand). Cytogenetic location: 3q22.1.
Variant type: single nucleotide variant.
Coding change: c.706C>A on transcript NM_000539.3 (MANE Select); coding-DNA position 706, C replaced by A.
Protein change: p.Gln236Lys; replaces glutamine 236 with lysine.
Molecular consequence: missense variant.
Genome position (GRCh38, 1-based): chr3:129,532,542, C>A. VCF-style: chr3-129532542-C-A. GRCh37 (hg19) VCF-style: chr3-129251385-C-A.
Other names: short protein forms Q236K.
Identifiers: ClinVar variation 2798827 (VCV002798827.4), dbSNP rs2533027694, ClinGen allele CA354470185.

ClinVar aggregate classification (germline): Uncertain significance. Review status: criteria provided, multiple submitters, no conflicts (2 of 4 stars). 2 submissions from 2 submitters: Uncertain significance (2). Last evaluated 2025-02-20.

Allele frequency attached by ClinVar (database versions not stated): gnomAD exomes below 0.00001.

Submissions (2):

Labcorp Genetics (formerly Invitae), Labcorp
Classification: Uncertain significance. Last evaluated: 2025-02-20. Review status: criteria provided, single submitter. Criteria: Invitae Variant Classification Sherloc (09022015). Collection method: clinical testing. Allele origin: germline.
Comment: This sequence change replaces glutamine, which is neutral and polar, with lysine, which is basic and polar, at codon 236 of the RHO protein (p.Gln236Lys). This variant is not present in population databases (gnomAD no frequency). This missense change has been observed in individual(s) with inherited retinal disease (PMID: 36460718). ClinVar contains an entry for this variant (Variation ID: 2798827). Invitae Evidence Modeling of protein sequence and biophysical properties (such as structural, functional, and spatial information, amino acid conservation, physicochemical variation, residue mobility, and thermodynamic stability) has been performed for this missense variant. However, the output from this modeling did not meet the statistical confidence thresholds required to predict the impact of this variant on RHO protein function. In summary, the available evidence is currently insufficient to determine the role of this variant in disease. Therefore, it has been classified as a Variant of Uncertain Significance.

GeneDx
Classification: Uncertain significance. Last evaluated: 2024-06-20. Review status: criteria provided, single submitter. Criteria: GeneDx Variant Classification Process June 2021. Collection method: clinical testing. Allele origin: germline. Affected: yes.
Comment: Identified in a cohort of patients with inherited retinal diseases in the published literature (PMID: 36460718); Not observed at significant frequency in large population cohorts (gnomAD); In silico analysis indicates that this missense variant does not alter protein structure/function; This variant is associated with the following publications: (PMID: 36460718)

Literature cited by the submitters: PubMed 36460718 (cited by Labcorp Genetics (formerly Invitae), Labcorp).